The following is an entry in ClinVar:

NM_005502.4(ABCA1):c.5761T>C (p.Tyr1921His)

Gene: ABCA1 (ATP binding cassette subfamily A member 1; minus strand). Cytogenetic location: 9q31.1.
Variant type: single nucleotide variant.
Coding change: c.5761T>C on transcript NM_005502.4 (MANE Select); coding-DNA position 5761, T replaced by C.
Protein change: p.Tyr1921His; replaces tyrosine 1921 with histidine.
Molecular consequence: missense variant.
Genome position (GRCh38, 1-based): chr9:104,791,995, A>G on the plus strand (T>C on the coding strand, the complement: ABCA1 is on the minus strand). VCF-style: chr9-104791995-A-G. GRCh37 (hg19) VCF-style: chr9-107554276-A-G.
Other names: short protein forms Y1921H.
Identifiers: ClinVar variation 1749493 (VCV001749493.8), dbSNP rs138033216, ClinGen allele CA5167732.
Genomic context (GRCh38, chr9:104,791,995, plus strand): 5'-CCTCACCAGGAGGAATGCCCACGCAAATCCTGTCAACAGCAGGCTTCCGCTTCCTTCTAT[A>G]TATCTGCAACAAACAAAATGTAAACATTCATAAGCCTCAGTGACTCACAGCTCTCCCAAG-3'
Protein context (NP_005493.2, residues 1911-1931): ILEIKELTKI[Tyr1921His]RRKRKPAVDR

ClinVar aggregate classification (germline): Uncertain significance. Review status: criteria provided, multiple submitters, no conflicts (2 of 4 stars). 2 submissions from 2 submitters: Uncertain significance (2). Last evaluated 2024-04-15.

Conditions:
Cardiovascular phenotype. Identifiers: MedGen CN230736.

Allele frequency attached by ClinVar (database versions not stated): TOPMed 0.00002; gnomAD 0.00003; ExAC 0.00006; gnomAD exomes 0.00006; ESP Exome Variant Server 0.00008.
gnomAD v4.1: 89 of 1,612,858 alleles (0.0055%); highest among the groups gnomAD compares: Non-Finnish European, 0.0072%; no homozygotes.

Submissions (2):

Ambry Genetics
Classification: Uncertain significance for Cardiovascular phenotype. Last evaluated: 2024-04-15. Review status: criteria provided, single submitter. Criteria: Ambry Variant Classification Scheme 2023. Collection method: clinical testing. Allele origin: germline.

Labcorp Genetics (formerly Invitae), Labcorp
Classification: Uncertain significance. Last evaluated: 2023-10-13. Review status: criteria provided, single submitter. Criteria: Invitae Variant Classification Sherloc (09022015). Collection method: clinical testing. Allele origin: germline.
Comment: This sequence change replaces tyrosine, which is neutral and polar, with histidine, which is basic and polar, at codon 1921 of the ABCA1 protein (p.Tyr1921His). This variant is present in population databases (rs138033216, gnomAD 0.007%). This variant has not been reported in the literature in individuals affected with ABCA1-related conditions. ClinVar contains an entry for this variant (Variation ID: 1749493). Advanced modeling of protein sequence and biophysical properties (such as structural, functional, and spatial information, amino acid conservation, physicochemical variation, residue mobility, and thermodynamic stability) performed at Invitae indicates that this missense variant is expected to disrupt ABCA1 protein function. In summary, the available evidence is currently insufficient to determine the role of this variant in disease. Therefore, it has been classified as a Variant of Uncertain Significance.